The following is an entry in ClinVar:

NM_006180.6(NTRK2):c.1060A>G (p.Met354Val)

Gene: NTRK2 (neurotrophic receptor tyrosine kinase 2; plus strand). Cytogenetic location: 9q21.33.
Variant type: single nucleotide variant.
Coding change: c.1060A>G on transcript NM_006180.6 (MANE Select); coding-DNA position 1060, A replaced by G.
Protein change: p.Met354Val; replaces methionine 354 with valine.
Molecular consequence: missense variant.
Genome position (GRCh38, 1-based): chr9:84,727,860, A>G. VCF-style: chr9-84727860-A-G. GRCh37 (hg19) VCF-style: chr9-87342775-A-G.
Other names: c.1060A>G (NM_006180.4); c.1060A>G, p.Met354Val (NM_001007097.3, NM_001018064.3, NM_001018065.2 and 16 more transcripts); c.1021A>G, p.Met341Val (NM_001291937.2, NM_001369546.1); c.592A>G, p.Met198Val (NM_001369535.1, NM_001369536.1, NM_001369550.1 and 2 more transcripts); short protein forms M354V, M198V, M341V.
Identifiers: ClinVar variation 1484445 (VCV001484445.9), dbSNP rs762253055, ClinGen allele CA5105616.

ClinVar aggregate classification (germline): Uncertain significance. Review status: criteria provided, multiple submitters, no conflicts (2 of 4 stars). 2 submissions from 2 submitters: Uncertain significance (2). Last evaluated 2026-05-24.

Conditions:
NTRK2-related disorder. Also called: NTRK2-related condition.

Allele frequency attached by ClinVar (database versions not stated): gnomAD exomes below 0.00001 and 0.00001; ExAC 0.00001; gnomAD 0.00001; TOPMed 0.00001.
gnomAD v4.1: 14 of 1,614,076 alleles (0.00087%); highest among the groups gnomAD compares: South Asian, 0.0022%; no homozygotes.

Submissions (2):

PreventionGenetics, part of Exact Sciences
Classification: Uncertain significance for NTRK2-related condition. Last evaluated: 2026-05-24. Review status: criteria provided, single submitter. Criteria: ACMG Guidelines, 2015. Collection method: clinical testing. Allele origin: germline.
Comment: The NTRK2 c.1060A>G variant is predicted to result in the amino acid substitution p.Met354Val. To our knowledge, this variant has not been reported in the literature. This variant is reported in 0.0033% of alleles in individuals of South Asian descent in gnomAD. At this time, the clinical significance of this variant is uncertain due to the absence of conclusive functional and genetic evidence.

Labcorp Genetics (formerly Invitae), Labcorp
Classification: Uncertain significance. Last evaluated: 2026-01-28. Review status: criteria provided, single submitter. Criteria: Invitae Variant Classification Sherloc (09022015). Collection method: clinical testing. Allele origin: germline.
Comment: This sequence change replaces methionine, which is neutral and non-polar, with valine, which is neutral and non-polar, at codon 354 of the NTRK2 protein (p.Met354Val). This variant is present in population databases (rs762253055, gnomAD 0.003%). This missense change has been observed in individual(s) with clinical features of NTRK2-related conditions (PMID: 15494731). ClinVar contains an entry for this variant (Variation ID: 1484445). Invitae Evidence Modeling of protein sequence and biophysical properties (such as structural, functional, and spatial information, amino acid conservation, physicochemical variation, residue mobility, and thermodynamic stability) indicates that this missense variant is expected to disrupt NTRK2 protein function with a positive predictive value of 95%. In summary, the available evidence is currently insufficient to determine the role of this variant in disease. Therefore, it has been classified as a Variant of Uncertain Significance.

Literature cited by the submitters: PubMed 15494731 (cited by Labcorp Genetics (formerly Invitae), Labcorp).